The following is an entry in ClinVar:

NM_152564.5(VPS13B):c.3827C>T (p.Thr1276Ile)

Gene: VPS13B (vacuolar protein sorting 13 homolog B; plus strand). Cytogenetic location: 8q22.2.
Variant type: single nucleotide variant.
Coding change: c.3827C>T on transcript NM_152564.5 (MANE Select); coding-DNA position 3827, C replaced by T.
Protein change: p.Thr1276Ile; replaces threonine 1276 with isoleucine.
Molecular consequence: missense variant.
Genome position (GRCh38, 1-based): chr8:99,481,759, C>T. VCF-style: chr8-99481759-C-T. GRCh37 (hg19) VCF-style: chr8-100493987-C-T.
Other names: c.3827C>T, p.Thr1276Ile (NM_017890.5); c.3827C>T (NM_152564.4); short protein forms T1276I.
Identifiers: ClinVar variation 528861 (VCV000528861.15), dbSNP rs567003932, ClinGen allele CA4823344.
Genomic context (GRCh38, chr8:99,481,759, plus strand): 5'-TGGCAGGGCCTGTTCCTACTTCTCCAGTTAGAAGCAGTATAGGCACAGCTCCTCCAGATA[C>T]CAGCACATGCAGCCCATCTGCTGACATTGGGACTACTACTGAGGTAAGTGTTTTTGAAAA-3'
Protein context (NP_689777.3, residues 1266-1286): RSSIGTAPPD[Thr1276Ile]STCSPSADIG

ClinVar aggregate classification (germline): Likely benign. Review status: criteria provided, multiple submitters, no conflicts (2 of 4 stars). 3 submissions from 3 submitters: Likely benign (2). 1 of the submissions does not count toward it. Last evaluated 2026-01-26.

Conditions:
VPS13B-related disorder. Also called: VPS13B-related condition.
Cohen syndrome (COH1). Also called: PEPPER SYNDROME; Cutis verticis gyrata, retinitis pigmentosa, and sensorineural deafness. Identifiers: Orphanet 193, MedGen C0265223, MONDO:0008999, OMIM 216550.

Allele frequency attached by ClinVar (database versions not stated): gnomAD 0.00001 and 0.00011; TOPMed 0.00003; ExAC 0.00033; gnomAD exomes 0.00035; 1000 Genomes Project 30x 0.00109; 1000 Genomes Project 0.00120.
gnomAD v4.1: 279 of 1,613,926 alleles (0.017%); highest among the groups gnomAD compares: South Asian, 0.28%; 4 homozygotes.

Submissions (3):

Labcorp Genetics (formerly Invitae), Labcorp
Classification: Likely benign for Cohen syndrome. Last evaluated: 2026-01-26. Review status: criteria provided, single submitter. Criteria: Invitae Variant Classification Sherloc (09022015). Collection method: clinical testing. Allele origin: germline.

Blueprint Genetics
Classification: Likely benign. Last evaluated: 2024-11-18. Review status: criteria provided, single submitter. Criteria: ACMG Guidelines, 2015. Collection method: clinical testing. Allele origin: germline.

PreventionGenetics, part of Exact Sciences
Classification: Likely benign for VPS13B-related condition. Last evaluated: 2023-05-25. Review status: no assertion criteria provided. Collection method: clinical testing. Allele origin: germline. Not counted in ClinVar's aggregate classification.
Comment: This variant is classified as likely benign based on ACMG/AMP sequence variant interpretation guidelines (Richards et al. 2015 PMID: 25741868, with internal and published modifications).